The following is an entry in ClinVar:

NM_030962.4(SBF2):c.144T>A (p.Phe48Leu)

Gene: SBF2 (SET binding factor 2; minus strand). Cytogenetic location: 11p15.4.
Variant type: single nucleotide variant.
Coding change: c.144T>A on transcript NM_030962.4 (MANE Select); coding-DNA position 144, T replaced by A.
Protein change: p.Phe48Leu; replaces phenylalanine 48 with leucine.
Molecular consequence: missense variant.
Genome position (GRCh38, 1-based): chr11:10,042,979, A>T on the plus strand (T>A on the coding strand, the complement: SBF2 is on the minus strand). VCF-style: chr11-10042979-A-T. GRCh37 (hg19) VCF-style: chr11-10064526-A-T.
Other names: c.144T>A, p.Phe48Leu (NM_001386339.1, NM_001386342.1); c.180T>A, p.Phe60Leu (NM_001424318.1, NM_001425069.1, NM_001425070.1); short protein forms F48L, F60L.
Identifiers: ClinVar variation 2858312 (VCV002858312.3), dbSNP rs2496467869, ClinGen allele CA379644079.
Genomic context (GRCh38, chr11:10,042,979, plus strand): 5'-AACCACAAAGAACGTTGGCTGCTTCCTCTCTCTGGACAGCTGCCACCCGCCAGGCTGACA[A>T]AACTAAATGAAATAGAAAAAAAAATGTAACATTTAAAAACAATAAAAGTTAATTATTAAT-3'
Protein context (NP_112224.1, residues 38-58): DTPFPQGIEL[Phe48Leu]CQPGGWQLSR

ClinVar aggregate classification (germline): Uncertain significance (1 of 4 stars; one submission).

Conditions:
Charcot-Marie-Tooth disease type 4. Also called: Charcot-Marie-Tooth disease, type IV; Charcot-Marie-Tooth, Type 4. Identifiers: Orphanet 64749, MedGen C4082197, MONDO:0018995.

Submission:

Labcorp Genetics (formerly Invitae), Labcorp
Classification: Uncertain significance for Charcot-Marie-Tooth disease type 4. Last evaluated: 2024-10-22. Review status: criteria provided, single submitter. Criteria: Invitae Variant Classification Sherloc (09022015). Collection method: clinical testing. Allele origin: germline.
Comment: This sequence change replaces phenylalanine, which is neutral and non-polar, with leucine, which is neutral and non-polar, at codon 48 of the SBF2 protein (p.Phe48Leu). This variant is not present in population databases (gnomAD no frequency). This variant has not been reported in the literature in individuals affected with SBF2-related conditions. An algorithm developed to predict the effect of missense changes on protein structure and function (PolyPhen-2) suggests that this variant is likely to be disruptive. In summary, the available evidence is currently insufficient to determine the role of this variant in disease. Therefore, it has been classified as a Variant of Uncertain Significance.